The following is an entry in ClinVar:

ClinVar aggregate classification (germline): Uncertain significance (1 of 4 stars; one submission).

Conditions:
Familial Mediterranean fever (FMF). Also called: POLYSEROSITIS, FAMILIAL PAROXYSMAL; POLYSEROSITIS, RECURRENT; Periodic peritonitis; Benign paroxysmal peritonitis. Identifiers: Orphanet 342, MedGen C0031069, MONDO:0018088, OMIM 249100. Disease mechanism: gain of function.

Submissions (2):

Labcorp Genetics (formerly Invitae), Labcorp
Classification: Uncertain significance for Familial Mediterranean fever. Last evaluated: 2019-07-09. Review status: criteria provided, single submitter. Criteria: Invitae Variant Classification Sherloc (09022015). Collection method: clinical testing. Allele origin: germline.
Comment: This sequence change affects a donor splice site in intron 1 of the MEFV gene. It is expected to disrupt RNA splicing and likely results in an absent or disrupted protein product. This variant is not present in population databases (ExAC no frequency). This variant has not been reported in the literature in individuals with MEFV-related conditions. ClinVar contains an entry for this variant (Variation ID: 568646). Algorithms developed to predict the effect of sequence changes on RNA splicing suggest that this variant may disrupt the consensus splice site, but this prediction has not been confirmed by published transcriptional studies. The current clinical and genetic evidence is not sufficient to establish whether loss-of-function variants in MEFV cause disease. In summary, the available evidence is currently insufficient to determine the role of this variant in disease. Therefore, it has been classified as a Variant of Uncertain Significance.

Dr. Peter K. Rogan Lab, Western University
No classification provided (evidence only). Condition: Thyroid cancer, nonmedullary, 1. Review status: no classification provided. Collection method: in vitro. Allele origin: not applicable. Functional consequence: retained intron. Not counted in ClinVar's aggregate classification.

NM_000243.3(MEFV):c.277+1G>T

Gene: MEFV (MEFV innate immunity regulator, pyrin; minus strand). Cytogenetic location: 16p13.3.
Variant type: single nucleotide variant.
Coding change: c.277+1G>T on transcript NM_000243.3 (MANE Select); the canonical splice donor site of the intron after coding-DNA position 277, G replaced by T.
Molecular consequence: splice donor variant.
Genome position (GRCh38, 1-based): chr16:3,256,310, C>A on the plus strand (G>T on the coding strand, the complement: MEFV is on the minus strand). VCF-style: chr16-3256310-C-A. GRCh37 (hg19) VCF-style: chr16-3306310-C-A.
Other names: c.277+1G>T (NM_001198536.2).
Identifiers: ClinVar variation 568646 (VCV000568646.10), dbSNP rs1328913013, ClinGen allele CA394483239.